The following is an entry in ClinVar:

ClinVar aggregate classification (germline): Pathogenic (1 of 4 stars; one submission).

Conditions:
Hereditary hemochromatosis (HFE). Identifiers: MedGen C0392514, MONDO:0006507. Disease mechanism: loss of function.

Submission:

Labcorp Genetics (formerly Invitae), Labcorp
Classification: Pathogenic for Hereditary hemochromatosis. Last evaluated: 2023-04-28. Review status: criteria provided, single submitter. Criteria: Invitae Variant Classification Sherloc (09022015). Collection method: clinical testing. Allele origin: germline.
Comment: For these reasons, this variant has been classified as Pathogenic. This variant has not been reported in the literature in individuals affected with TFR2-related conditions. This variant is not present in population databases (gnomAD no frequency). This sequence change creates a premature translational stop signal (p.Tyr547*) in the TFR2 gene. It is expected to result in an absent or disrupted protein product. Loss-of-function variants in TFR2 are known to be pathogenic (PMID: 23600741, 26029709).

Literature cited by the submitters: PubMed 23600741; PubMed 26029709.

NM_003227.4(TFR2):c.1638_1639del (p.Leu546_Tyr547insTer)

Gene: TFR2 (transferrin receptor 2; minus strand). Cytogenetic location: 7q22.1.
Variant type: Microsatellite.
Coding change: c.1638_1639del on transcript NM_003227.4 (MANE Select); coding-DNA positions 1638 to 1639, 2 bases deleted (CT; older notation c.1638_1639delCT).
Protein change: p.Leu546_Tyr547insTer.
Molecular consequence: frameshift variant.
Genome position (GRCh38, 1-based): chr7:100,627,787-100,627,788, AG deleted on the plus strand (CT on the coding strand, the reverse complement: TFR2 is on the minus strand); deleting any 2 consecutive bases within chr7:100,627,787-100,627,792 gives the same sequence; the c. name uses the placement nearest the transcript's 3' end. VCF-style (leftmost placement, unchanged base first): chr7-100627786-TAG-T. GRCh37 (hg19) VCF-style: chr7-100225409-TAG-T.
Other names: c.1125_1126del, p.Leu375_Tyr376insTer (NM_001206855.3).
Identifiers: ClinVar variation 1074157 (VCV001074157.7), dbSNP rs1803309728, ClinGen allele CA2580615952.